The following is an entry in ClinVar:

ClinVar aggregate classification (germline): Uncertain significance (1 of 4 stars; one submission).

Conditions:
Peroxisome biogenesis disorder. Identifiers: Orphanet 79189, MedGen C1832200, MONDO:0019234. Disease mechanism: loss of function.

Submission:

Labcorp Genetics (formerly Invitae), Labcorp
Classification: Uncertain significance for Peroxisome biogenesis disorder. Last evaluated: 2021-12-02. Review status: criteria provided, single submitter. Criteria: Invitae Variant Classification Sherloc (09022015). Collection method: clinical testing. Allele origin: germline.
Comment: In summary, the available evidence is currently insufficient to determine the role of this variant in disease. Therefore, it has been classified as a Variant of Uncertain Significance. Algorithms developed to predict the effect of missense changes on protein structure and function output the following: SIFT: "Tolerated"; PolyPhen-2: "Benign"; Align-GVGD: "Class C0". The isoleucine amino acid residue is found in multiple mammalian species, which suggests that this missense change does not adversely affect protein function. This variant has not been reported in the literature in individuals affected with PEX6-related conditions. This variant is not present in population databases (gnomAD no frequency). This sequence change replaces valine, which is neutral and non-polar, with isoleucine, which is neutral and non-polar, at codon 480 of the PEX6 protein (p.Val480Ile).

NM_000287.4(PEX6):c.1438G>A (p.Val480Ile)

Gene: PEX6 (peroxisomal biogenesis factor 6; minus strand). Cytogenetic location: 6p21.1.
Variant type: single nucleotide variant.
Coding change: c.1438G>A on transcript NM_000287.4 (MANE Select); coding-DNA position 1438, G replaced by A.
Protein change: p.Val480Ile; replaces valine 480 with isoleucine.
Molecular consequence: missense variant. On other transcripts: non-coding transcript variant (1).
Genome position (GRCh38, 1-based): chr6:42,968,915, C>T on the plus strand (G>A on the coding strand, the complement: PEX6 is on the minus strand). VCF-style: chr6-42968915-C-T. GRCh37 (hg19) VCF-style: chr6-42936653-C-T.
Other names: c.1174G>A, p.Val392Ile (NM_001316313.2); short protein forms V480I, V392I.
Identifiers: ClinVar variation 1367474 (VCV001367474.6), dbSNP rs2114245909, ClinGen allele CA364155279.